The following is an entry in ClinVar:

ClinVar aggregate classification (germline): Uncertain significance. Review status: criteria provided, multiple submitters, no conflicts (2 of 4 stars). 2 submissions from 2 submitters: Uncertain significance (2). Last evaluated 2024-12-10.

Conditions:
Hereditary cancer-predisposing syndrome. Also called: Hereditary Cancer Syndrome; Hereditary neoplastic syndrome; Tumor predisposition; Neoplastic Syndromes, Hereditary. Identifiers: Orphanet 140162, MedGen C0027672, MeSH D009386, MONDO:0015356.
Cardiovascular phenotype. Identifiers: MedGen CN230736.

Submissions (2):

Labcorp Genetics (formerly Invitae), Labcorp
Classification: Uncertain significance. Last evaluated: 2024-12-10. Review status: criteria provided, single submitter. Criteria: Invitae Variant Classification Sherloc (09022015). Collection method: clinical testing. Allele origin: germline.
Comment: This sequence change replaces alanine, which is neutral and non-polar, with serine, which is neutral and polar, at codon 399 of the LZTR1 protein (p.Ala399Ser). This variant is not present in population databases (gnomAD no frequency). This variant has not been reported in the literature in individuals affected with LZTR1-related conditions. Invitae Evidence Modeling of protein sequence and biophysical properties (such as structural, functional, and spatial information, amino acid conservation, physicochemical variation, residue mobility, and thermodynamic stability) indicates that this missense variant is not expected to disrupt LZTR1 protein function with a negative predictive value of 80%. In summary, the available evidence is currently insufficient to determine the role of this variant in disease. Therefore, it has been classified as a Variant of Uncertain Significance.

Ambry Genetics
Classification: Uncertain significance for Cardiovascular phenotype; Hereditary cancer-predisposing syndrome. Last evaluated: 2024-09-16. Review status: criteria provided, single submitter. Criteria: Ambry Variant Classification Scheme 2023. Collection method: clinical testing. Allele origin: germline.
Comment: The p.A399S variant (also known as c.1195G>T), located in coding exon 11 of the LZTR1 gene, results from a G to T substitution at nucleotide position 1195. The alanine at codon 399 is replaced by serine, an amino acid with similar properties. This amino acid position is conserved. In addition, this alteration is predicted to be tolerated by in silico analysis. Based on the available evidence, the clinical significance of this variant remains unclear.

NM_006767.4(LZTR1):c.1195G>T (p.Ala399Ser)

Gene: LZTR1 (leucine zipper like post translational regulator 1; plus strand). Cytogenetic location: 22q11.21.
Variant type: single nucleotide variant.
Coding change: c.1195G>T on transcript NM_006767.4 (MANE Select); coding-DNA position 1195, G replaced by T.
Protein change: p.Ala399Ser; replaces alanine 399 with serine.
Molecular consequence: missense variant.
Genome position (GRCh38, 1-based): chr22:20,992,839, G>T. VCF-style: chr22-20992839-G-T. GRCh37 (hg19) VCF-style: chr22-21347128-G-T.
Other names: short protein forms A399S.
Identifiers: ClinVar variation 3541630 (VCV003541630.3).
Genomic context (GRCh38, chr22:20,992,839, plus strand): 5'-CTTCTTGTCCCCCAGCTGCCCAGTGGGAGGCTCTTCCACGCGGCTGCTGTCATCTCGGAC[G>T]CCATGTACATCTTCGGGGGCACGGTGGACAACAACATCCGCAGCGGGGAGATGTACAGGT-3'
Protein context (NP_006758.2, residues 389-409): LFHAAAVISD[Ala399Ser]MYIFGGTVDN